The following is an entry in ClinVar:

NM_007294.4(BRCA1):c.671-248_671-246dup

Gene: BRCA1 (BRCA1 DNA repair associated; minus strand). Cytogenetic location: 17q21.31.
Variant type: Duplication.
Coding change: c.671-248_671-246dup on transcript NM_007294.4 (MANE Select); 248 bases into the intron before coding-DNA position 671 through 246 bases into the intron before coding-DNA position 671, 3 bases duplicated (AGG; older notation c.671-248_671-246dupAGG).
Molecular consequence: intron variant.
Genome position (GRCh38, 1-based): chr17:43,095,106-43,095,108, CCT duplicated on the plus strand (AGG on the coding strand, the reverse complement: BRCA1 is on the minus strand). VCF-style (leftmost placement, unchanged base first): chr17-43095105-A-ACCT. GRCh37 (hg19) VCF-style: chr17-41247122-A-ACCT.
Other names: IVS 10-246insAGG; c.548-248_548-246dup (NM_001408444.1, NM_001408438.1, NM_001408430.1 and 34 more transcripts); c.670+738_670+740dup (NM_001408423.1, NM_001408420.1, NM_001408419.1 and 2 more transcripts); c.671-248_671-246dup (NM_001408404.1, NM_001408472.1, NM_001407990.1 and 53 more transcripts); c.461-248_461-246dup (NM_001408492.1, NM_001407889.1, NM_001408513.1 and 25 more transcripts); c.527-248_527-246dup (NM_001408468.1, NM_001407842.1, NM_001407749.1 and 26 more transcripts); c.407-248_407-246dup (NM_001408501.1, NM_001408500.1, NM_001407921.1 and 15 more transcripts); c.530-248_530-246dup (NM_001408455.1, NM_001407731.1, NM_001407695.1 and 43 more transcripts); and 22 more.
Identifiers: ClinVar variation 127125 (VCV000127125.6), dbSNP rs5820483, ClinGen allele CA269772.

ClinVar aggregate classification (germline): Benign. Review status: reviewed by expert panel (3 of 4 stars). 4 submissions from 3 submitters: Benign (1). 3 of the submissions do not count toward it. Last evaluated 2015-01-12.

Conditions:
Breast-ovarian cancer, familial, susceptibility to, 1 (BROVCA1). Also called: BRCA1 Hereditary Breast and Ovarian Cancer; OVARIAN CANCER, SUSCEPTIBILITY TO. Identifiers: Orphanet 145, MedGen C2676676, MONDO:0011450, OMIM 604370. Disease mechanism: loss of function.
Familial cancer of breast. Also called: BREAST CANCER, FAMILIAL; hereditary breast carcinoma; Hereditary breast cancer. Identifiers: Orphanet 227535, MedGen C0346153, MONDO:0016419, OMIM 114480. Disease mechanism: loss of function.

Allele frequency attached by ClinVar (database versions not stated): gnomAD 0.33157 and 0.33753.

Submissions (4):

Evidence-based Network for the Interpretation of Germline Mutant Alleles (ENIGMA)
Classification: Benign for Breast-ovarian cancer, familial 1. Last evaluated: 2015-01-12. Review status: reviewed by expert panel. Criteria: ENIGMA BRCA1/2 Classification Criteria (2015). Collection method: curation. Allele origin: germline.
Comment: Class 1 not pathogenic based on frequency >1% in an outbred sampleset. Frequency 0.33 (Asian), 0.32 (African), 0.35 (European), derived from 1000 genomes (2012-04-30).

GeneDx
Classification: Benign. Last evaluated: 2018-07-09. Review status: criteria provided, single submitter. Criteria: GeneDx Variant Classification Process June 2021. Collection method: clinical testing. Allele origin: germline. Affected: yes. Not counted in ClinVar's aggregate classification.

Genomic Research Center, Shahid Beheshti University of Medical Sciences
Classification: Benign for Breast-ovarian cancer, familial, susceptibility to, 1. Last evaluated: 2017-12-03. Review status: criteria provided, single submitter. Criteria: ACMG Guidelines, 2015. Collection method: clinical testing. Allele origin: inherited. Affected: yes. Not counted in ClinVar's aggregate classification.

Genomic Research Center, Shahid Beheshti University of Medical Sciences
No classification provided. Condition: Familial cancer of breast. Review status: no classification provided. Collection method: not provided. Allele origin: somatic. Not counted in ClinVar's aggregate classification.
ClinVar note: Converted during submission from untested to not provided.